The following is an entry in ClinVar:

ClinVar aggregate classification (germline): Benign. Review status: reviewed by expert panel (3 of 4 stars). 2 submissions from 2 submitters: Benign (1). 1 of the submissions does not count toward it. Last evaluated 2015-01-12.

Conditions:
Breast-ovarian cancer, familial, susceptibility to, 1 (BROVCA1). Also called: BRCA1 Hereditary Breast and Ovarian Cancer; OVARIAN CANCER, SUSCEPTIBILITY TO. Identifiers: Orphanet 145, MedGen C2676676, MONDO:0011450, OMIM 604370. Disease mechanism: loss of function.

Allele frequency attached by ClinVar (database versions not stated): 1000 Genomes Project 0.03215; 1000 Genomes Project 30x 0.03248; TOPMed 0.05018; gnomAD 0.05434 and 0.05504.
gnomAD v4.1: 8,267 of 152,064 alleles (5.4%); highest among the groups gnomAD compares: Middle Eastern, 7.8%; 331 homozygotes.

Submissions (2):

Evidence-based Network for the Interpretation of Germline Mutant Alleles (ENIGMA)
Classification: Benign for Breast-ovarian cancer, familial 1. Last evaluated: 2015-01-12. Review status: reviewed by expert panel. Criteria: ENIGMA BRCA1/2 Classification Criteria (2015). Collection method: curation. Allele origin: germline.
Comment: Class 1 not pathogenic based on frequency >1% in an outbred sampleset. Frequency 0.08443 (European), derived from 1000 genomes (2012-04-30).

Breakthrough Genomics
Classification: Benign. Review status: criteria provided, single submitter. Criteria: ACMG Guidelines, 2015. Collection method: not provided. Allele origin: germline. Inheritance: Autosomal recessive inheritance. Affected: yes. Not counted in ClinVar's aggregate classification.

NM_007294.4(BRCA1):c.5193+1590G>A

Gene: BRCA1 (BRCA1 DNA repair associated; minus strand). Cytogenetic location: 17q21.31.
Variant type: single nucleotide variant.
Coding change: c.5193+1590G>A on transcript NM_007294.4 (MANE Select); 1590 bases into the intron after coding-DNA position 5193, G replaced by A.
Molecular consequence: intron variant.
Genome position (GRCh38, 1-based): chr17:43,061,743, C>T on the plus strand (G>A on the coding strand, the complement: BRCA1 is on the minus strand). VCF-style: chr17-43061743-C-T. GRCh37 (hg19) VCF-style: chr17-41213760-C-T.
Other names: IVS 19+1590G>A; c.5064+1590G>A (NM_001407685.1, NM_001407688.1, NM_001407682.1 and 6 more transcripts); c.5067+1590G>A (NM_001407940.1, NM_001407671.1, NM_001407676.1 and 10 more transcripts); c.5133+1590G>A (NM_001407649.1); c.1878+1590G>A (NM_001408401.1, NM_001408396.1, NM_001408404.1 and 8 more transcripts); c.1881+1590G>A (NM_001407985.1, NM_001408472.1, NM_001407990.1 and 12 more transcripts); c.5184+1590G>A (NM_001407644.1, NM_001407645.1); c.5187+1590G>A (NM_001407627.1, NM_001407861.1, NM_001407635.1 and 14 more transcripts); and 73 more.
Identifiers: ClinVar variation 209316 (VCV000209316.3), dbSNP rs8176266, ClinGen allele CA276288.